The following is an entry in ClinVar:

ClinVar aggregate classification (germline): Likely benign (1 of 4 stars; one submission).

Conditions:
CEP164-related disorder. Also called: CEP164-related condition.

Submission:

PreventionGenetics, part of Exact Sciences
Classification: Likely benign for CEP164-related condition. Last evaluated: 2025-11-18. Review status: criteria provided, single submitter. Criteria: ACMG Guidelines, 2015. Collection method: clinical testing. Allele origin: germline.
Comment: This variant is classified as likely benign based on ACMG/AMP sequence variant interpretation guidelines (Richards et al. 2015 PMID: 25741868, with internal and published modifications).

NM_014956.5(CEP164):c.1722G>A (p.Glu574=)

Gene: CEP164 (centrosomal protein 164; plus strand). Cytogenetic location: 11q23.3.
Variant type: single nucleotide variant.
Coding change: c.1722G>A on transcript NM_014956.5 (MANE Select); coding-DNA position 1722, G replaced by A.
Protein change: p.Glu574=; no amino-acid change (glutamic acid 574 retained).
Molecular consequence: synonymous variant. On other transcripts: intron variant (27).
Genome position (GRCh38, 1-based): chr11:117,382,940, G>A. VCF-style: chr11-117382940-G-A. GRCh37 (hg19) VCF-style: chr11-117253656-G-A.
Other names: c.1731G>A, p.Glu577= (NM_001271933.2, NM_001440949.1); c.1722G>A, p.Glu574= (NM_001440950.1, NM_001440951.1, NM_001440953.1 and 1 more transcripts); c.1644G>A, p.Glu548= (NM_001440954.1, NM_001440955.1, NM_001440958.1 and 2 more transcripts); c.1593G>A, p.Glu531= (NM_001440960.1); c.1563G>A, p.Glu521= (NM_001440972.1); c.1586+1072G>A (NM_001440967.1, NM_001440961.1); c.1637+1072G>A (NM_001440956.1, NM_001440957.1); c.1577+1072G>A (NM_001440962.1, NM_001440970.1, NM_001440964.1 and 6 more transcripts); and 2 more.
Identifiers: ClinVar variation 4995772 (VCV004995772.1).